The following is an entry in ClinVar:

NM_000069.3(CACNA1S):c.2064-213C>T

Gene: CACNA1S (calcium voltage-gated channel subunit alpha1 S; minus strand). Cytogenetic location: 1q32.1.
Variant type: single nucleotide variant.
Coding change: c.2064-213C>T on transcript NM_000069.3 (MANE Select); 213 bases into the intron before coding-DNA position 2064, C replaced by T.
Molecular consequence: intron variant.
Genome position (GRCh38, 1-based): chr1:201,073,855, G>A on the plus strand (C>T on the coding strand, the complement: CACNA1S is on the minus strand). VCF-style: chr1-201073855-G-A. GRCh37 (hg19) VCF-style: chr1-201042983-G-A.
Identifiers: ClinVar variation 678297 (VCV000678297.1), dbSNP rs2296386, ClinGen allele CA10855054.

ClinVar aggregate classification (germline): Benign (1 of 4 stars; one submission).

Allele frequency attached by ClinVar (database versions not stated): gnomAD 0.21336 and 0.23631; TOPMed 0.21941; 1000 Genomes Project 30x 0.37086; 1000 Genomes Project 0.38758.
gnomAD v4.1: 35,933 of 152,104 alleles (24%); highest among the groups gnomAD compares: East Asian, 76%; 6,198 homozygotes.

Submission:

GeneDx
Classification: Benign. Last evaluated: 2018-06-18. Review status: criteria provided, single submitter. Criteria: GeneDx Variant Classification (06012015). Collection method: clinical testing. Allele origin: germline. Affected: yes.
Comment: This variant is considered likely benign or benign based on one or more of the following criteria: it is a conservative change, it occurs at a poorly conserved position in the protein, it is predicted to be benign by multiple in silico algorithms, and/or has population frequency not consistent with disease.